The following is an entry in ClinVar:

NM_130839.5(UBE3A):c.1364T>C (p.Leu455Pro)

Genes: SNHG14 (small nucleolar RNA host gene 14; plus strand), UBE3A (ubiquitin protein ligase E3A; minus strand). Cytogenetic location: 15q11.2.
Variant type: single nucleotide variant.
Coding change: c.1364T>C on transcript NM_130839.5 (MANE Select); coding-DNA position 1364, T replaced by C.
Protein change: p.Leu455Pro; replaces leucine 455 with proline.
Molecular consequence: missense variant. On other transcripts: non-coding transcript variant (1), intron variant (2).
Genome position (GRCh38, 1-based): chr15:25,370,810, A>G on the plus strand (T>C on the coding strand, the complement: UBE3A is on the minus strand). VCF-style: chr15-25370810-A-G. GRCh37 (hg19) VCF-style: chr15-25615957-A-G.
Other names: c.1373T>C, p.Leu458Pro (NM_000462.5); c.1364T>C, p.Leu455Pro (NM_001354505.1, NM_001354538.2, NM_001354545.2); c.1304T>C, p.Leu435Pro (NM_001354506.2, NM_001354507.2, NM_001354508.2 and 17 more transcripts); c.1187T>C, p.Leu396Pro (NM_001354546.2); c.301+4655T>C (NM_001354551.2); c.361+4655T>C (NM_001354550.2); short protein forms L435P, L396P, L455P, L458P.
Identifiers: ClinVar variation 155996 (VCV000155996.1), dbSNP rs587781242, ClinGen allele CA333396.
Genomic context (GRCh38, chr15:25,370,810, plus strand): 5'-ATAAAAGAGAATTTGTTCTCTGTTTCTACTTTGAAAAAAGTATAATCTTTATCCATTTCT[A>G]GAACCTCATTCAGTGGTTCATTAATAAACTCTTCAAAAGGGATAAGTGGTTTTCGACAAT-3'
Protein context (NP_570854.1, residues 445-465): EFINEPLNEV[Leu455Pro]EMDKDYTFFK

ClinVar aggregate classification (germline): Likely pathogenic (0 of 4 stars; one submission).

Conditions:
Angelman syndrome (AS). Also called: HAPPY PUPPET SYNDROME. Identifiers: Orphanet 72, MedGen C0162635, MONDO:0007113, OMIM 105830. Disease mechanism: loss of function. Inheritance: AS is caused by disruption of maternally imprinted UBE3A located within the 15q11.2-q13 Angelman syndrome/Prader-Willi syndrome (AS/PWS) region., imprinting disorder.

Submission:

Baylor Genetics
Classification: Likely pathogenic for Angelman Syndrome. Last evaluated: 2014-02-14. Review status: no assertion criteria provided. Collection method: clinical testing. Allele origin: maternal. Affected: yes. Observed: 1 variant allele. Study: UBE3A Mutation Study.
Comment: Data collected from clinical UBE3A sequence analysis results

Literature cited by the submitters: PubMed 25212744.